The following is an entry in ClinVar:

NM_003072.5(SMARCA4):c.3115A>C (p.Ile1039Leu)

Gene: SMARCA4 (SWI/SNF related BAF chromatin remodeling complex subunit ATPase 4; plus strand). Cytogenetic location: 19p13.2.
Variant type: single nucleotide variant.
Coding change: c.3115A>C on transcript NM_003072.5 (MANE Select); coding-DNA position 3115, A replaced by C.
Protein change: p.Ile1039Leu; replaces isoleucine 1039 with leucine.
Molecular consequence: missense variant. On other transcripts: non-coding transcript variant (1).
Genome position (GRCh38, 1-based): chr19:11,025,455, A>C. VCF-style: chr19-11025455-A-C. GRCh37 (hg19) VCF-style: chr19-11136131-A-C.
Other names: c.3115A>C, p.Ile1039Leu (NM_001128844.3, NM_001128845.2, NM_001128846.2 and 6 more transcripts); short protein forms I1039L.
Identifiers: ClinVar variation 2587107 (VCV002587107.2), dbSNP rs2146497070, ClinGen allele CA404059201.

ClinVar aggregate classification (germline): Uncertain significance (1 of 4 stars; one submission).

Conditions:
Hereditary cancer-predisposing syndrome. Also called: Tumor predisposition; Hereditary Cancer Syndrome; Hereditary neoplastic syndrome; Neoplastic Syndromes, Hereditary. Identifiers: Orphanet 140162, MedGen C0027672, MeSH D009386, MONDO:0015356.

Submission:

Ambry Genetics
Classification: Uncertain significance for Hereditary cancer-predisposing syndrome. Last evaluated: 2023-06-21. Review status: criteria provided, single submitter. Criteria: Ambry Variant Classification Scheme 2023. Collection method: clinical testing. Allele origin: germline.
Comment: The p.I1039L variant (also known as c.3115A>C), located in coding exon 21 of the SMARCA4 gene, results from an A to C substitution at nucleotide position 3115. The isoleucine at codon 1039 is replaced by leucine, an amino acid with highly similar properties. This amino acid position is highly conserved in available vertebrate species. In addition, the in silico prediction for this alteration is inconclusive. Missense and in-frame variants in SMARCA4 are known to cause neurodevelopmental disorders; however, such associations with rhabdoid tumor predisposition syndrome including small cell carcinoma of the ovary-hypercalcemic type (SCCOHT) are exceedingly rare (Kosho T et al. Am J Med Genet C Semin Med Genet. 2014 Sep;166C(3):262-75; Jelinic P et al. Nat Genet. 2014 May;46(5):424-6). Since supporting evidence is limited at this time, the clinical significance of this alteration remains unclear.